The following is an entry in ClinVar:

ClinVar aggregate classification (germline): Uncertain significance (1 of 4 stars; one submission).

Conditions:
Cataract 1 multiple types. Also called: CATARACT 1, NUCLEAR PROGRESSIVE; CATARACT 1 WITH MICROCORNEA; CATARACT 1, MULTIPLE TYPES, WITH OR WITHOUT MICROCORNEA; CATARACT, DUFFY-LINKED; CATARACT 1, POSTERIOR SUBCAPSULAR, WITH MICROCORNEA; CATARACT 1, STELLATE NUCLEAR, WITH MICROCORNEA. Identifiers: Orphanet 1377, MedGen C1861828, MONDO:0007285, OMIM 116200.

Submission:

Labcorp Genetics (formerly Invitae), Labcorp
Classification: Uncertain significance for Cataract 1 multiple types. Last evaluated: 2022-09-13. Review status: criteria provided, single submitter. Criteria: Invitae Variant Classification Sherloc (09022015). Collection method: clinical testing. Allele origin: germline.
Comment: In summary, the available evidence is currently insufficient to determine the role of this variant in disease. Therefore, it has been classified as a Variant of Uncertain Significance. Advanced modeling of protein sequence and biophysical properties (such as structural, functional, and spatial information, amino acid conservation, physicochemical variation, residue mobility, and thermodynamic stability) performed at Invitae indicates that this missense variant is expected to disrupt GJA8 protein function. ClinVar contains an entry for this variant (Variation ID: 1393488). This variant has not been reported in the literature in individuals affected with GJA8-related conditions. This variant is not present in population databases (gnomAD no frequency). This sequence change replaces glutamic acid, which is acidic and polar, with glycine, which is neutral and non-polar, at codon 223 of the GJA8 protein (p.Glu223Gly).

NM_005267.5(GJA8):c.668A>G (p.Glu223Gly)

Gene: GJA8 (gap junction protein alpha 8; plus strand). Cytogenetic location: 1q21.2.
Variant type: single nucleotide variant.
Coding change: c.668A>G on transcript NM_005267.5 (MANE Select); coding-DNA position 668, A replaced by G.
Protein change: p.Glu223Gly; replaces glutamic acid 223 with glycine.
Molecular consequence: missense variant.
Genome position (GRCh38, 1-based): chr1:147,908,623, A>G. VCF-style: chr1-147908623-A-G. GRCh37 (hg19) VCF-style: chr1-147380750-A-G.
Other names: short protein forms E223G.
Identifiers: ClinVar variation 1393488 (VCV001393488.6), dbSNP rs2149016020, ClinGen allele CA342225333.
Genomic context (GRCh38, chr1:147,908,623, plus strand): 5'-CCATCTTCATCCTGTTCATGTTGTCTGTGGCCTCTGTGTCCCTATTCCTCAACGTGATGG[A>G]GTTGGGCCACCTGGGCCTGAAGGGGATCCGGTCTGCCTTGAAGAGGCCTGTAGAGCAGCC-3'
Protein context (NP_005258.2, residues 213-233): ASVSLFLNVM[Glu223Gly]LGHLGLKGIR